The following is an entry in ClinVar:

ClinVar aggregate classification (germline): Uncertain significance (1 of 4 stars; one submission).

Submission:

Ambry Genetics
Classification: Uncertain significance. Last evaluated: 2022-06-15. Review status: criteria provided, single submitter. Criteria: Ambry Variant Classification Scheme 2023. Collection method: clinical testing. Allele origin: germline.
Comment: The p.A638T variant (also known as c.1912G>A), located in coding exon 12 of the POLQ gene, results from a G to A substitution at nucleotide position 1912. The alanine at codon 638 is replaced by threonine, an amino acid with similar properties. This amino acid position is conserved. In addition, the in silico prediction for this alteration is inconclusive. Since supporting evidence is limited at this time, the clinical significance of this alteration remains unclear.

NM_199420.4(POLQ):c.1912G>A (p.Ala638Thr)

Gene: POLQ (DNA polymerase theta; minus strand). Cytogenetic location: 3q13.33.
Variant type: single nucleotide variant.
Coding change: c.1912G>A on transcript NM_199420.4 (MANE Select); coding-DNA position 1912, G replaced by A.
Protein change: p.Ala638Thr; replaces alanine 638 with threonine.
Molecular consequence: missense variant.
Genome position (GRCh38, 1-based): chr3:121,509,608, C>T on the plus strand (G>A on the coding strand, the complement: POLQ is on the minus strand). VCF-style: chr3-121509608-C-T. GRCh37 (hg19) VCF-style: chr3-121228455-C-T.
Other names: short protein forms A638T.
Identifiers: ClinVar variation 1782526 (VCV001782526.2), dbSNP rs2546801999, ClinGen allele CA354113444.
Genomic context (GRCh38, chr3:121,509,608, plus strand): 5'-AAACAGAACTTACCAGATAGAGAATATGAAGATCATTCTCTAAAACAAAGCCCTTCATTG[C>T]TCTTTGCAGGTCAGCAAAAATATCTAAAGTATCAGCTGGAGAAAGTGAAGAAGAAAGAGT-3'
Protein context (NP_955452.3, residues 628-648): TLDIFADLQR[Ala638Thr]MKGFVLENDL